The following is an entry in ClinVar:

ClinVar aggregate classification (germline): Likely benign (0 of 4 stars; one submission).

Conditions:
PKLR-related disorder. Also called: PKLR-related condition.

Allele frequency attached by ClinVar (database versions not stated): gnomAD 0.00001; TOPMed 0.00001; ExAC 0.00010; 1000 Genomes Project 30x 0.00016; 1000 Genomes Project 0.00020.
gnomAD v4.1: 46 of 1,613,808 alleles (0.0029%); highest among the groups gnomAD compares: South Asian, 0.042%; no homozygotes.

Submission:

PreventionGenetics, part of Exact Sciences
Classification: Likely benign for PKLR-related condition. Last evaluated: 2019-10-28. Review status: no assertion criteria provided. Collection method: clinical testing. Allele origin: germline.
Comment: This variant is classified as likely benign based on ACMG/AMP sequence variant interpretation guidelines (Richards et al. 2015 PMID: 25741868, with internal and published modifications).

NM_000298.6(PKLR):c.695-4G>T

Gene: PKLR (pyruvate kinase L/R; minus strand). Cytogenetic location: 1q22.
Variant type: single nucleotide variant.
Coding change: c.695-4G>T on transcript NM_000298.6 (MANE Select); 4 bases into the intron before coding-DNA position 695, G replaced by T.
Molecular consequence: intron variant.
Genome position (GRCh38, 1-based): chr1:155,294,756, C>A on the plus strand (G>T on the coding strand, the complement: PKLR is on the minus strand). VCF-style: chr1-155294756-C-A. GRCh37 (hg19) VCF-style: chr1-155264547-C-A.
Other names: c.602-4G>T (NM_181871.4).
Identifiers: ClinVar variation 3040858 (VCV003040858.2), dbSNP rs573513816, ClinGen allele CA1144231.